The following is an entry in ClinVar:

NM_002772.3(TMPRSS15):c.2765-2A>T

Gene: TMPRSS15 (transmembrane serine protease 15; minus strand). Cytogenetic location: 21q21.1.
Variant type: single nucleotide variant.
Coding change: c.2765-2A>T on transcript NM_002772.3 (MANE Select); the canonical splice acceptor site of the intron before coding-DNA position 2765, A replaced by T.
Molecular consequence: splice acceptor variant.
Genome position (GRCh38, 1-based): chr21:18,275,338, T>A on the plus strand (A>T on the coding strand, the complement: TMPRSS15 is on the minus strand). VCF-style: chr21-18275338-T-A. GRCh37 (hg19) VCF-style: chr21-19647655-T-A.
Other names: c.2765-2A>T (NM_001428057.1); c.2900-2A>T (NM_001428056.1).
Identifiers: ClinVar variation 4713019 (VCV004713019.1).
Genomic context (GRCh38, chr21:18,275,338, plus strand): 5'-GCATCTCTCATTTGATAGAAGAGGAACATCAGCTTCTTGCAATATGTTTGCAGTAGTACC[T>A]GCTCAAAATGGAGAATGCAGCCAGCCAGTCAGAAGTGATCAACATGCATCCTTGAATGAA-3'

ClinVar aggregate classification (germline): Likely pathogenic (1 of 4 stars; one submission).

gnomAD v4.1: 1 of 1,613,870 alleles (0.000062%); highest among the groups gnomAD compares: Non-Finnish European, 0.000085%; no homozygotes.

Submission:

Labcorp Genetics (formerly Invitae), Labcorp
Classification: Likely pathogenic. Last evaluated: 2025-02-13. Review status: criteria provided, single submitter. Criteria: Invitae Variant Classification Sherloc (09022015). Collection method: clinical testing. Allele origin: germline.
Comment: This sequence change affects an acceptor splice site in intron 23 of the TMPRSS15 gene. It is expected to disrupt RNA splicing. Variants that disrupt the donor or acceptor splice site typically lead to a loss of protein function (PMID: 16199547), and loss-of-function variants in TMPRSS15 are known to be pathogenic (PMID: 11719902). This variant is present in population databases (rs766036459, gnomAD 0.0009%). This variant has not been reported in the literature in individuals affected with TMPRSS15-related conditions. Algorithms developed to predict the effect of sequence changes on RNA splicing suggest that this variant may disrupt the consensus splice site. In summary, the currently available evidence indicates that the variant is pathogenic, but additional data are needed to prove that conclusively. Therefore, this variant has been classified as Likely Pathogenic.

Literature cited by the submitters: PubMed 16199547; PubMed 11719902.